The following is an entry in ClinVar:

NM_006012.4(CLPP):c.661G>A (p.Glu221Lys)

Gene: CLPP (caseinolytic mitochondrial matrix peptidase proteolytic subunit; plus strand). Cytogenetic location: 19p13.3.
Variant type: single nucleotide variant.
Coding change: c.661G>A on transcript NM_006012.4 (MANE Select); coding-DNA position 661, G replaced by A.
Protein change: p.Glu221Lys; replaces glutamic acid 221 with lysine.
Molecular consequence: missense variant.
Genome position (GRCh38, 1-based): chr19:6,366,363, G>A. VCF-style: chr19-6366363-G-A. GRCh37 (hg19) VCF-style: chr19-6366374-G-A.
Other names: short protein forms E221K.
Identifiers: ClinVar variation 2138191 (VCV002138191.4), dbSNP rs147589840, ClinGen allele CA9122979.
Genomic context (GRCh38, chr19:6,366,363, plus strand): 5'-CTCAAGAAGCAGCTCTATAACATCTACGCCAAGCACACCAAACAGAGCCTGCAGGTGATC[G>A]GTAAGCACCCTCCTTTATTTCATCCTGGTCCGTGCACAGACGGACCAGGCGTTGCTCTAA-3'
Protein context (NP_006003.1, residues 211-231): KHTKQSLQVI[Glu221Lys]SAMERDRYMS

ClinVar aggregate classification (germline): Likely pathogenic (1 of 4 stars; one submission).

Allele frequency attached by ClinVar (database versions not stated): gnomAD exomes below 0.00001; ExAC 0.00001; TOPMed 0.00001; gnomAD 0.00003; ESP Exome Variant Server 0.00008.
gnomAD v4.1: 10 of 1,604,306 alleles (0.00062%); highest among the groups gnomAD compares: African/African-American, 0.0027%; no homozygotes.

Submission:

Labcorp Genetics (formerly Invitae), Labcorp
Classification: Likely pathogenic. Last evaluated: 2023-05-15. Review status: criteria provided, single submitter. Criteria: Invitae Variant Classification Sherloc (09022015). Collection method: clinical testing. Allele origin: germline.
Comment: Studies have shown that this missense change alters CLPP gene expression (PMID: 28604674). An algorithm developed to predict the effect of missense changes on protein structure and function (PolyPhen-2) suggests that this variant is likely to be tolerated. ClinVar contains an entry for this variant (Variation ID: 2138191). This missense change has been observed in individual(s) with clinical features of CLPP-related conditions (PMID: 28604674). The frequency data for this variant in the population databases is considered unreliable, as metrics indicate poor data quality at this position in the gnomAD database. This sequence change replaces glutamic acid, which is acidic and polar, with lysine, which is basic and polar, at codon 221 of the CLPP protein (p.Glu221Lys). RNA analysis indicates that this missense change induces altered splicing and likely disrupts the C-terminus of the protein. Variants that disrupt the consensus splice site are a relatively common cause of aberrant splicing (PMID: 17576681, 9536098). Studies have shown that this missense change results in skipping of exon 5 and introduces a new termination codon (PMID: 28604674). However the mRNA is not expected to undergo nonsense-mediated decay. In summary, the currently available evidence indicates that the variant is pathogenic, but additional data are needed to prove that conclusively. Therefore, this variant has been classified as Likely Pathogenic.

Literature cited by the submitters: PubMed 28604674; PubMed 17576681; PubMed 9536098.